The following is an entry in ClinVar:

ClinVar aggregate classification (germline): Uncertain significance. Review status: criteria provided, multiple submitters, no conflicts (2 of 4 stars). 2 submissions from 2 submitters: Uncertain significance (2). Last evaluated 2024-05-09.

Conditions:
Cardiovascular phenotype. Identifiers: MedGen CN230736.
Catecholaminergic polymorphic ventricular tachycardia (CVPT). Also called: Catecholamine-induced polymorphic ventricular tachycardia. Identifiers: Orphanet 3286, MedGen C5574922, MONDO:0017990.

Submissions (2):

All of Us Research Program, National Institutes of Health
Classification: Uncertain significance for Catecholaminergic polymorphic ventricular tachycardia. Last evaluated: 2024-05-09. Review status: criteria provided, single submitter. Criteria: ACMG Guidelines, 2015. Collection method: clinical testing. Allele origin: germline. Inheritance: Autosomal dominant inheritance. Observed: 1 variant allele, 1 heterozygote.
Comment: This study involves interpretation of variants in research participants for the purpose of population health screening. Participant phenotype was not available at the time of variant classification. Additional details can be found in publication PMID: 35346344, PMCID: PMC8962531

Ambry Genetics
Classification: Uncertain significance for Cardiovascular phenotype. Last evaluated: 2023-07-17. Review status: criteria provided, single submitter. Criteria: Ambry Variant Classification Scheme 2023. Collection method: clinical testing. Allele origin: germline.
Comment: The p.N3380S variant (also known as c.10139A>G), located in coding exon 69 of the RYR2 gene, results from an A to G substitution at nucleotide position 10139. The asparagine at codon 3380 is replaced by serine, an amino acid with highly similar properties. This amino acid position is well conserved in available vertebrate species. In addition, the in silico prediction for this alteration is inconclusive. Since supporting evidence is limited at this time, the clinical significance of this alteration remains unclear.

NM_001035.3(RYR2):c.10139A>G (p.Asn3380Ser)

Gene: RYR2 (ryanodine receptor 2; plus strand). Cytogenetic location: 1q43.
Variant type: single nucleotide variant.
Coding change: c.10139A>G on transcript NM_001035.3 (MANE Select); coding-DNA position 10139, A replaced by G.
Protein change: p.Asn3380Ser; replaces asparagine 3380 with serine.
Molecular consequence: missense variant.
Genome position (GRCh38, 1-based): chr1:237,709,095, A>G. VCF-style: chr1-237709095-A-G. GRCh37 (hg19) VCF-style: chr1-237872395-A-G.
Other names: short protein forms N3380S.
Identifiers: ClinVar variation 2587829 (VCV002587829.3), dbSNP rs1573615716, ClinGen allele CA345411312.